The following is an entry in ClinVar:

NM_198576.4(AGRN):c.3694C>T (p.Arg1232Cys)

Gene: AGRN (agrin; plus strand). Cytogenetic location: 1p36.33.
Variant type: single nucleotide variant.
Coding change: c.3694C>T on transcript NM_198576.4 (MANE Select); coding-DNA position 3694, C replaced by T.
Protein change: p.Arg1232Cys; replaces arginine 1232 with cysteine.
Molecular consequence: missense variant.
Genome position (GRCh38, 1-based): chr1:1,047,838, C>T. VCF-style: chr1-1047838-C-T. GRCh37 (hg19) VCF-style: chr1-983218-C-T.
Other names: c.3694C>T, p.Arg1232Cys (NM_001305275.2); c.3379C>T, p.Arg1127Cys (NM_001364727.2); short protein forms R1232C, R1127C.
Identifiers: ClinVar variation 856957 (VCV000856957.3), dbSNP rs777331097, ClinGen allele CA509189.

ClinVar aggregate classification (germline): Uncertain significance (1 of 4 stars; one submission).

Conditions:
Congenital myasthenic syndrome 8. Also called: MYASTHENIC SYNDROME, CONGENITAL, DUE TO AGRIN DEFICIENCY; Myasthenic syndrome, congenital, 8, with pre- and postsynaptic defects. Identifiers: Orphanet 590, MedGen C3808739, MONDO:0014052, OMIM 615120.

Allele frequency attached by ClinVar (database versions not stated): gnomAD 0.00002 and 0.00003; TOPMed 0.00003; ExAC 0.00008.

Submission:

Labcorp Genetics (formerly Invitae), Labcorp
Classification: Uncertain significance for Congenital myasthenic syndrome 8. Last evaluated: 2022-05-23. Review status: criteria provided, single submitter. Criteria: Invitae Variant Classification Sherloc (09022015). Collection method: clinical testing. Allele origin: germline.
Comment: This sequence change replaces arginine, which is basic and polar, with cysteine, which is neutral and slightly polar, at codon 1232 of the AGRN protein (p.Arg1232Cys). This variant is present in population databases (rs777331097, gnomAD 0.01%). This variant has not been reported in the literature in individuals affected with AGRN-related conditions. ClinVar contains an entry for this variant (Variation ID: 856957). Algorithms developed to predict the effect of missense changes on protein structure and function are either unavailable or do not agree on the potential impact of this missense change (SIFT: "Deleterious"; PolyPhen-2: "Probably Damaging"; Align-GVGD: "Class C0"). Algorithms developed to predict the effect of sequence changes on RNA splicing suggest that this variant may create or strengthen a splice site. In summary, the available evidence is currently insufficient to determine the role of this variant in disease. Therefore, it has been classified as a Variant of Uncertain Significance.